The following is an entry in ClinVar:

NM_005548.3(KARS1):c.223-23dup

Gene: KARS1 (lysyl-tRNA synthetase 1; minus strand). Cytogenetic location: 16q23.1.
Variant type: Duplication.
Coding change: c.223-23dup on transcript NM_005548.3 (MANE Select); 23 bases into the intron before coding-DNA position 223, one base duplicated (T; older notation c.223-23dupT).
Molecular consequence: intron variant.
Genome position (GRCh38, 1-based): chr16:75,640,355, A duplicated on the plus strand (T on the coding strand, the reverse complement: KARS1 is on the minus strand); the first of 18 consecutive A bases (chr16:75,640,355-75,640,372); duplicating any one gives the same sequence. VCF-style (leftmost placement, unchanged base first): chr16-75640354-T-TA. GRCh37 (hg19) VCF-style: chr16-75674252-T-TA.
Other names: p.?; c.307-23dup (NM_001130089.2); c.-246-23dup (NM_001378148.1); c.223-6dup (NM_005548.2).
Identifiers: ClinVar variation 1205860 (VCV001205860.9), dbSNP rs370077957, ClinGen allele CA8177694.

ClinVar aggregate classification (germline): Benign. Review status: criteria provided, multiple submitters, no conflicts (2 of 4 stars). 7 submissions from 7 submitters: Benign (4). 3 of the submissions do not count toward it. Last evaluated 2025-02-16.

Submissions (7):

Laboratory of Genetics, Children's Clinical University Hospital Latvia
Classification: Benign. Last evaluated: 2025-02-16. Review status: criteria provided, single submitter. Criteria: ACMG Guidelines, 2015. Collection method: clinical testing. Allele origin: germline. Affected: yes.

Unidad de Genómica Garrahan, Hospital de Pediatría Garrahan
Classification: Benign. Last evaluated: 2024-07-31. Review status: criteria provided, single submitter. Criteria: ACMG Guidelines, 2015. Collection method: clinical testing. Allele origin: germline. Affected: no. Observed: 19 variant alleles.
Comment: This variant is classified as Benign based on local population frequency. This variant was detected in 20% of patients studied in a panel designed for Epileptic and Developmental Encephalopathy, Progressive Myoclonus Epilepsy and Abnormal Movements and Neurodegeneration with brain iron accumulation. Number of patients: 19. Only high quality variants are reported.

Mayo Clinic Laboratories, Mayo Clinic
Classification: Benign. Last evaluated: 2021-03-08. Review status: criteria provided, single submitter. Criteria: ACMG Guidelines, 2015. Collection method: clinical testing. Allele origin: germline. Observed: 201 variant alleles.

GeneDx
Classification: Benign. Last evaluated: 2019-08-13. Review status: criteria provided, single submitter. Criteria: GeneDx Variant Classification Process June 2021. Collection method: clinical testing. Allele origin: germline. Affected: yes.

Clinical Genetics DNA and cytogenetics Diagnostics Lab, Erasmus MC, Erasmus Medical Center
Classification: Benign. Review status: no assertion criteria provided. Collection method: clinical testing. Allele origin: germline. Affected: yes. Study: VKGL Data-share Consensus. Not counted in ClinVar's aggregate classification.

Clinical Genetics, Academic Medical Center
Classification: Benign. Review status: no assertion criteria provided. Collection method: clinical testing. Allele origin: germline. Affected: yes. Study: VKGL Data-share Consensus. Not counted in ClinVar's aggregate classification.

Laboratory of Diagnostic Genome Analysis, Leiden University Medical Center (LUMC)
Classification: Likely benign. Review status: no assertion criteria provided. Collection method: clinical testing. Allele origin: germline. Affected: yes. Study: VKGL Data-share Consensus. Not counted in ClinVar's aggregate classification.